The following is an entry in ClinVar:

NM_018834.6(MATR3):c.1997C>T (p.Ala666Val)

Genes: MATR3 (matrin 3; plus strand), LOC126807526 (CDK7 strongly-dependent group 2 enhancer GRCh37_chr5:138657767-138658966; plus strand). Cytogenetic location: 5q31.2.
Variant type: single nucleotide variant.
Coding change: c.1997C>T on transcript NM_018834.6 (MANE Select); coding-DNA position 1997, C replaced by T.
Protein change: p.Ala666Val; replaces alanine 666 with valine.
Molecular consequence: missense variant.
Genome position (GRCh38, 1-based): chr5:139,322,816, C>T. VCF-style: chr5-139322816-C-T. GRCh37 (hg19) VCF-style: chr5-138658505-C-T.
Other names: c.1997C>T, p.Ala666Val (NM_001194954.2, NM_001194955.2, NM_199189.3); c.1133C>T, p.Ala378Val (NM_001194956.2); c.983C>T, p.Ala328Val (NM_001282278.2); short protein forms A328V, A378V, A666V.
Identifiers: ClinVar variation 1447853 (VCV001447853.8), dbSNP rs1261252930, ClinGen allele CA361144688.

ClinVar aggregate classification (germline): Uncertain significance (1 of 4 stars; one submission).

Conditions:
Amyotrophic lateral sclerosis type 21. Also called: VOCAL CORD AND PHARYNGEAL DYSFUNCTION WITH DISTAL MYOPATHY; MYOPATHY, DISTAL, 2. Identifiers: Orphanet 600, Orphanet 803, MedGen C3807521, MONDO:0011632, OMIM 606070.

Allele frequency attached by ClinVar (database versions not stated): gnomAD exomes below 0.00001 and 0.00001; gnomAD 0.00001; TOPMed 0.00005.
gnomAD v4.1: 3 of 1,614,088 alleles (0.00019%); highest among the groups gnomAD compares: Admixed American, 0.005%; no homozygotes.

Submission:

Labcorp Genetics (formerly Invitae), Labcorp
Classification: Uncertain significance for Amyotrophic lateral sclerosis type 21. Last evaluated: 2021-08-19. Review status: criteria provided, single submitter. Criteria: Invitae Variant Classification Sherloc (09022015). Collection method: clinical testing. Allele origin: germline.
Comment: Algorithms developed to predict the effect of missense changes on protein structure and function are either unavailable or do not agree on the potential impact of this missense change (SIFT: "Deleterious"; PolyPhen-2: "Probably Damaging"; Align-GVGD: "Class C0"). In summary, the available evidence is currently insufficient to determine the role of this variant in disease. Therefore, it has been classified as a Variant of Uncertain Significance. This variant has been observed in individual(s) with clinical features of MATR3-related conditions (Invitae). This variant is not present in population databases (ExAC no frequency). This sequence change replaces alanine with valine at codon 666 of the MATR3 protein (p.Ala666Val). The alanine residue is highly conserved and there is a small physicochemical difference between alanine and valine.